The following is an entry in ClinVar:

NM_030665.4(RAI1):c.1973G>A (p.Trp658Ter)

Gene: RAI1 (retinoic acid induced 1; plus strand). Cytogenetic location: 17p11.2.
Variant type: single nucleotide variant.
Coding change: c.1973G>A on transcript NM_030665.4 (MANE Select); coding-DNA position 1973, G replaced by A.
Protein change: p.Trp658Ter; replaces tryptophan 658 with a stop codon.
Molecular consequence: nonsense.
Genome position (GRCh38, 1-based): chr17:17,794,921, G>A. VCF-style: chr17-17794921-G-A. GRCh37 (hg19) VCF-style: chr17-17698235-G-A.
Other names: short protein forms W658*.
Identifiers: ClinVar variation 3722510 (VCV003722510.2).

ClinVar aggregate classification (germline): Pathogenic (1 of 4 stars; one submission).

Submission:

Labcorp Genetics (formerly Invitae), Labcorp
Classification: Pathogenic. Last evaluated: 2024-11-06. Review status: criteria provided, single submitter. Criteria: Invitae Variant Classification Sherloc (09022015). Collection method: clinical testing. Allele origin: germline.
Comment: This sequence change creates a premature translational stop signal (p.Trp658*) in the RAI1 gene. It is expected to result in an absent or disrupted protein product. Loss-of-function variants in RAI1 are known to be pathogenic (PMID: 21857958, 24715852). This variant is not present in population databases (gnomAD no frequency). This premature translational stop signal has been observed in individual(s) with Smith-Magenis syndrome (PMID: 21857958). For these reasons, this variant has been classified as Pathogenic.

Literature cited by the submitters: PubMed 21857958; PubMed 24715852.